The following is an entry in ClinVar:

NM_001365276.2(TNXB):c.10554C>T (p.Tyr3518=)

Gene: TNXB (tenascin XB; minus strand). Cytogenetic location: 6p21.33.
Variant type: single nucleotide variant.
Coding change: c.10554C>T on transcript NM_001365276.2 (MANE Select); coding-DNA position 10554, C replaced by T.
Protein change: p.Tyr3518=; no amino-acid change (tyrosine 3518 retained).
Molecular consequence: synonymous variant.
Genome position (GRCh38, 1-based): chr6:32,046,227, G>A on the plus strand (C>T on the coding strand, the complement: TNXB is on the minus strand). VCF-style: chr6-32046227-G-A. GRCh37 (hg19) VCF-style: chr6-32014004-G-A.
Other names: p.Tyr3516=; c.10548C>T, p.Tyr3516= (NM_019105.8).
Identifiers: ClinVar variation 1291596 (VCV001291596.10), dbSNP rs115065067, ClinGen allele CA3733198.

ClinVar aggregate classification (germline): Benign/Likely benign. Review status: criteria provided, multiple submitters, no conflicts (2 of 4 stars). 6 submissions from 6 submitters: Benign (5); Likely benign (1). Last evaluated 2026-03-30.

Conditions:
Cardiovascular phenotype. Identifiers: MedGen CN230736.
Ehlers-Danlos syndrome (EDS). Identifiers: Orphanet 98249, MedGen C0013720, MONDO:0020066.

Allele frequency attached by ClinVar (database versions not stated): gnomAD exomes 0.00183 and 0.00073; ExAC 0.00221; gnomAD 0.00653 and 0.00690; ESP Exome Variant Server 0.00707; TOPMed 0.00716; 1000 Genomes Project 0.01058; 1000 Genomes Project 30x 0.01062.
gnomAD v4.1: 2,083 of 1,602,520 alleles (0.13%); highest among the groups gnomAD compares: African/African-American, 2.4%; 21 homozygotes.

Submissions (6):

Women's Health and Genetics/Laboratory Corporation of America, LabCorp
Classification: Benign. Last evaluated: 2026-03-30. Review status: criteria provided, single submitter. Criteria: LabCorp Variant Classification Summary - May 2015. Collection method: clinical testing. Allele origin: germline.

Labcorp Genetics (formerly Invitae), Labcorp
Classification: Benign. Last evaluated: 2026-02-04. Review status: criteria provided, single submitter. Criteria: Invitae Variant Classification Sherloc (09022015). Collection method: clinical testing. Allele origin: germline.

Mayo Clinic Laboratories, Mayo Clinic
Classification: Likely benign. Last evaluated: 2024-08-08. Review status: criteria provided, single submitter. Criteria: ACMG Guidelines, 2015. Collection method: clinical testing. Allele origin: germline. Observed: 8 variant alleles.
Comment: BS1, BP4, BP7

Genome Diagnostics Laboratory, The Hospital for Sick Children
Classification: Benign for Ehlers-Danlos syndrome. Last evaluated: 2022-06-14. Review status: criteria provided, single submitter. Criteria: ACMG Guidelines, 2015. Collection method: clinical testing. Allele origin: germline.

GeneDx
Classification: Benign. Last evaluated: 2021-01-11. Review status: criteria provided, single submitter. Criteria: GeneDx Variant Classification Process June 2021. Collection method: clinical testing. Allele origin: germline. Affected: yes.

Ambry Genetics
Classification: Benign for Cardiovascular phenotype. Last evaluated: 2019-04-24. Review status: criteria provided, single submitter. Criteria: Ambry Variant Classification Scheme 2023. Collection method: clinical testing. Allele origin: germline.